The following is an entry in ClinVar:

NM_025137.4(SPG11):c.782C>A (p.Ser261Ter)

Gene: SPG11 (SPG11 vesicle trafficking associated, spatacsin; minus strand). Cytogenetic location: 15q21.1.
Variant type: single nucleotide variant.
Coding change: c.782C>A on transcript NM_025137.4 (MANE Select); coding-DNA position 782, C replaced by A.
Protein change: p.Ser261Ter; replaces serine 261 with a stop codon.
Molecular consequence: nonsense.
Genome position (GRCh38, 1-based): chr15:44,657,182, G>T on the plus strand (C>A on the coding strand, the complement: SPG11 is on the minus strand). VCF-style: chr15-44657182-G-T. GRCh37 (hg19) VCF-style: chr15-44949380-G-T.
Other names: NM_025137.4(SPG11):c.782C>A; p.Ser261Ter; c.782C>A, p.Ser261Ter (NM_001160227.2); short protein forms S261*.
Identifiers: ClinVar variation 466570 (VCV000466570.8), dbSNP rs765477482, ClinGen allele CA7535724.

ClinVar aggregate classification (germline): Pathogenic. Review status: criteria provided, multiple submitters, no conflicts (2 of 4 stars). 2 submissions from 2 submitters: Pathogenic (2). Last evaluated 2023-01-25.

Conditions:
Hereditary spastic paraplegia 11. Also called: SPASTIC PARAPLEGIA, AUTOSOMAL RECESSIVE, COMPLICATED, WITH THIN CORPUS CALLOSUM; SPASTIC PARAPLEGIA, AUTOSOMAL RECESSIVE, WITH MENTAL IMPAIRMENT AND THIN CORPUS CALLOSUM; Nakamura Osame syndrome; Autosomal recessive hereditary spastic paraplegia, mental impairment, and thin corpus callosum; Spastic paraplegia, mental retardation and thin corpus callosum; Spastic Paraplegia 11. Identifiers: Orphanet 2822, MedGen C1858479, MONDO:0011445, OMIM 604360.

Allele frequency attached by ClinVar (database versions not stated): gnomAD below 0.00001 and 0.00001; gnomAD exomes below 0.00001 and 0.00001; ExAC 0.00001.
gnomAD v4.1: 5 of 1,614,078 alleles (0.00031%); highest among the groups gnomAD compares: South Asian, 0.0055%; no homozygotes.

Submissions (2):

Broad Center for Mendelian Genomics, Broad Institute of MIT and Harvard
Classification: Pathogenic for Hereditary spastic paraplegia 11. Last evaluated: 2023-01-25. Review status: criteria provided, single submitter. Criteria: ACMG Guidelines, 2015. Collection method: curation. Allele origin: germline. Inheritance: Autosomal recessive inheritance.
Comment: The p.Ser261Ter variant in SPG11 has been reported in one individual with hereditary spastic paraplegia 11 (PMID: 27217339) but has been identified in 0.006% (2/30614) of South Asian chromosomes by the Genome Aggregation Database (gnomAD; dbSNP ID: rs765477482). Although this variant has been seen in the general population in a heterozygous state, its frequency is low enough to be consistent with a recessive carrier frequency. This variant has also been reported in ClinVar (Variation ID: 466570) and has been interpreted as pathogenic by Invitae. This nonsense variant leads to a premature termination codon at position 261, which is predicted to lead to a truncated or absent protein. Loss of function of the SPG11 gene is an established disease mechanism in autosomal recessive SPG11-related neurologic disease. In summary, this variant meets criteria to be classified as pathogenic for autosomal recessive spastic paraplegia 11. ACMG/AMP Criteria applied: PVS1, PM2_Supporting, PM3 (Richards 2015).

Labcorp Genetics (formerly Invitae), Labcorp
Classification: Pathogenic for Hereditary spastic paraplegia 11. Last evaluated: 2022-08-30. Review status: criteria provided, single submitter. Criteria: Invitae Variant Classification Sherloc (09022015). Collection method: clinical testing. Allele origin: germline.
Comment: This premature translational stop signal has been observed in individual(s) with hereditary spastic paraplegia (PMID: 27217339). ClinVar contains an entry for this variant (Variation ID: 466570). Algorithms developed to predict the effect of sequence changes on RNA splicing suggest that this variant may disrupt the consensus splice site. For these reasons, this variant has been classified as Pathogenic. This variant is present in population databases (rs765477482, gnomAD 0.006%). This sequence change creates a premature translational stop signal (p.Ser261*) in the SPG11 gene. It is expected to result in an absent or disrupted protein product. Loss-of-function variants in SPG11 are known to be pathogenic (PMID: 19105190, 20110243, 22154821, 26556829).

Literature cited by the submitters: PubMed 27217339 (cited by Labcorp Genetics (formerly Invitae), Labcorp); PubMed 19105190 (cited by Labcorp Genetics (formerly Invitae), Labcorp); PubMed 20110243 (cited by Labcorp Genetics (formerly Invitae), Labcorp); PubMed 22154821 (cited by Labcorp Genetics (formerly Invitae), Labcorp); PubMed 26556829 (cited by Labcorp Genetics (formerly Invitae), Labcorp).